The following is an entry in ClinVar:

NM_032387.5(WNK4):c.2095A>G (p.Lys699Glu)

Gene: WNK4 (WNK lysine deficient protein kinase 4; plus strand). Cytogenetic location: 17q21.2.
Variant type: single nucleotide variant.
Coding change: c.2095A>G on transcript NM_032387.5 (MANE Select); coding-DNA position 2095, A replaced by G.
Protein change: p.Lys699Glu; replaces lysine 699 with glutamic acid.
Molecular consequence: missense variant.
Genome position (GRCh38, 1-based): chr17:42,788,735, A>G. VCF-style: chr17-42788735-A-G. GRCh37 (hg19) VCF-style: chr17-40940753-A-G.
Other names: c.1087A>G, p.Lys363Glu (NM_001321299.2); short protein forms K363E, K699E.
Identifiers: ClinVar variation 2119346 (VCV002119346.4), dbSNP rs1214581159, ClinGen allele CA399659431.

ClinVar aggregate classification (germline): Uncertain significance (1 of 4 stars; one submission).

Submission:

Labcorp Genetics (formerly Invitae), Labcorp
Classification: Uncertain significance. Last evaluated: 2024-02-24. Review status: criteria provided, single submitter. Criteria: Invitae Variant Classification Sherloc (09022015). Collection method: clinical testing. Allele origin: germline.
Comment: This sequence change replaces lysine, which is basic and polar, with glutamic acid, which is acidic and polar, at codon 699 of the WNK4 protein (p.Lys699Glu). This variant is not present in population databases (gnomAD no frequency). This variant has not been reported in the literature in individuals affected with WNK4-related conditions. ClinVar contains an entry for this variant (Variation ID: 2119346). Advanced modeling of protein sequence and biophysical properties (such as structural, functional, and spatial information, amino acid conservation, physicochemical variation, residue mobility, and thermodynamic stability) performed at Invitae indicates that this missense variant is not expected to disrupt WNK4 protein function with a negative predictive value of 95%. In summary, the available evidence is currently insufficient to determine the role of this variant in disease. Therefore, it has been classified as a Variant of Uncertain Significance.